The following is an entry in ClinVar:

NM_016026.4(RDH11):c.230del (p.Lys77fs)

Genes: GPHN (gephyrin; plus strand), RDH11 (retinol dehydrogenase 11; minus strand). Cytogenetic location: 14q24.1.
Variant type: Deletion.
Coding change: c.230del on transcript NM_016026.4 (MANE Select); coding-DNA position 230, one base deleted (A; older notation c.230delA).
Protein change: p.Lys77fs; shifts the reading frame from lysine 77.
Molecular consequence: frameshift variant.
Genome position (GRCh38, 1-based): chr14:67,692,557, T deleted on the plus strand (A on the coding strand, the reverse complement: RDH11 is on the minus strand); the first of 4 consecutive T bases (chr14:67,692,557-67,692,560); deleting any one gives the same sequence. VCF-style (leftmost placement, unchanged base first): chr14-67692556-CT-C. GRCh37 (hg19) VCF-style: chr14-68159273-CT-C.
Other names: c.230del, p.Lys77fs (NM_001252650.2); short protein forms K77fs.
Identifiers: ClinVar variation 1074324 (VCV001074324.7), dbSNP rs1176694083, ClinGen allele CA614768935.
Genomic context (GRCh38, chr14:67,692,556, plus strand): 5'-CCGCACCAACACCTGCTGGTTCCCTGTCGTGGTCTGGATCTCTTTGGCCACCAATTCCCC[CT>C]TTTCCACATCCCGGCAAGCTAAATATACTCGAGCTCCTGTCAGCCAACATATGAAAGAGA-3'

ClinVar aggregate classification (germline): Pathogenic (1 of 4 stars; one submission).

Submission:

Labcorp Genetics (formerly Invitae), Labcorp
Classification: Pathogenic. Last evaluated: 2023-08-04. Review status: criteria provided, single submitter. Criteria: Invitae Variant Classification Sherloc (09022015). Collection method: clinical testing. Allele origin: germline.
Comment: This sequence change creates a premature translational stop signal (p.Lys77Argfs*39) in the RDH11 gene. It is expected to result in an absent or disrupted protein product. Loss-of-function variants in RDH11 are known to be pathogenic (PMID: 24916380). This variant is present in population databases (no rsID available, gnomAD 0.01%). For these reasons, this variant has been classified as Pathogenic. ClinVar contains an entry for this variant (Variation ID: 1074324). This variant has not been reported in the literature in individuals affected with RDH11-related conditions.

Literature cited by the submitters: PubMed 24916380.